The following is an entry in ClinVar:

ClinVar aggregate classification (germline): Benign/Likely benign. Review status: criteria provided, multiple submitters, no conflicts (2 of 4 stars). 8 submissions from 8 submitters: Benign (2); Likely benign (2). 4 of the submissions do not count toward it. Last evaluated 2025-10-07.

Conditions:
PKD1-related disorder. Also called: PKD1-related condition.
Polycystic kidney disease, adult type (PKD1). Also called: Polycystic Kidney Disease 1, Autosomal Dominant; Polycystic kidney disease 1; Polycystic kidney disease 1, severe; POLYCYSTIC KIDNEY DISEASE, ADULT, TYPE I; Polycystic Kidney, Autosomal Dominant; POLYCYSTIC KIDNEY DISEASE 1 WITH OR WITHOUT POLYCYSTIC LIVER DISEASE. Identifiers: MedGen C3149841, MONDO:0008263, OMIM 173900.

Allele frequency attached by ClinVar (database versions not stated): gnomAD 0.00026 and 0.00045; 1000 Genomes Project 30x 0.00031; 1000 Genomes Project 0.00040; gnomAD exomes 0.00042 and 0.00022; ESP Exome Variant Server 0.00023; ExAC 0.00058; TOPMed 0.00062.
gnomAD v4.1: 417 of 1,587,434 alleles (0.026%); highest among the groups gnomAD compares: Middle Eastern, 0.17%; no homozygotes.

Submissions (8):

Women's Health and Genetics/Laboratory Corporation of America, LabCorp
Classification: Likely benign. Last evaluated: 2025-10-07. Review status: criteria provided, single submitter. Criteria: LabCorp Variant Classification Summary - May 2015. Collection method: clinical testing. Allele origin: germline.
Comment: Variant summary: PKD1 c.10654G>T (p.Ala3552Ser) results in a conservative amino acid change in the encoded protein sequence. Algorithms developed to predict the effect of missense changes on protein structure and function all suggest that this variant is likely to be tolerated. The variant allele was found at a frequency of 0.00042 in 203904 control chromosomes, predominantly at a frequency of 0.0025 within the Ashkenazi Jewish subpopulation in the gnomAD database. The observed variant frequency within Ashkenazi Jewish control individuals in the gnomAD database exceeds the estimated maximal expected allele frequency for disease-causing variants in PKD1. To our knowledge, no occurrence of c.10654G>T in individuals affected with PKD1-related conditions and no experimental evidence demonstrating its impact on protein function have been reported. ClinVar contains an entry for this variant (Variation ID: 1049593). Based on the evidence outlined above, the variant was classified as likely benign.

CeGaT Center for Human Genetics Tuebingen
Classification: Benign. Last evaluated: 2025-07-01. Review status: criteria provided, single submitter. Criteria: CeGaT Center For Human Genetics Tuebingen Variant Classification Criteria Version 2. Collection method: clinical testing. Allele origin: germline. Affected: yes. Observed: 1 variant allele.
Comment: PKD1: BS1, BS2

Fulgent Genetics
Classification: Benign for Polycystic kidney disease, adult type. Last evaluated: 2021-11-12. Review status: criteria provided, single submitter. Criteria: ACMG Guidelines, 2015. Collection method: clinical testing. Allele origin: unknown.

GeneDx
Classification: Likely benign. Last evaluated: 2021-03-23. Review status: criteria provided, single submitter. Criteria: GeneDx Variant Classification Process June 2021. Collection method: clinical testing. Allele origin: germline. Affected: yes.

PreventionGenetics, part of Exact Sciences
Classification: Likely benign for PKD1-related condition. Last evaluated: 2019-12-16. Review status: no assertion criteria provided. Collection method: clinical testing. Allele origin: germline. Not counted in ClinVar's aggregate classification.
Comment: This variant is classified as likely benign based on ACMG/AMP sequence variant interpretation guidelines (Richards et al. 2015 PMID: 25741868, with internal and published modifications).

Clinical Genetics DNA and cytogenetics Diagnostics Lab, Erasmus MC, Erasmus Medical Center
Classification: Likely benign. Review status: no assertion criteria provided. Collection method: clinical testing. Allele origin: germline. Affected: yes. Study: VKGL Data-share Consensus. Not counted in ClinVar's aggregate classification.

Department of Pathology and Laboratory Medicine, Sinai Health System
Classification: Uncertain significance. Review status: no assertion criteria provided. Collection method: clinical testing. Allele origin: unknown. Affected: yes. Study: The Canadian Open Genetics Repository (COGR). Not counted in ClinVar's aggregate classification.
Comment: The PKD1 p.Ala3552Ser variant was not identified in the literature nor was it identified in ClinVar, ADPKD Mutation Database or PKD1-LOVD. The variant was identified in dbSNP (ID: rs141670808) and in LOVD 3.0. The variant was also found in control databases in 85 of 199394 chromosomes at a frequency of 0.000426 (Genome Aggregation Database Feb 27, 2017) and was observed in the following populations: Ashkenazi Jewish in 24 of 9006 chromosomes (freq: 0.002665), East Asian in 8 of 15156 chromosomes (freq: 0.000528), European (Non-Finnish) in 28 of 87494 chromosomes (freq: 0.00032), Latino in 21 of 30460 chromosomes (freq: 0.000689) and Other in 4 of 4650 chromosomes (freq: 0.00086). while the variant was not observed in the African, European (Finnish) and South Asian populations. The variant occurs outside of the splicing consensus sequence and in silico or computational prediction software programs (SpliceSiteFinder, MaxEntScan, NNSPLICE, GeneSplicer) do not predict a difference in splicing. The p.Ala3552 residue is not conserved in mammals and computational analyses (PolyPhen-2, SIFT, AlignGVGD, BLOSUM, MutationTaster) do not suggest a high likelihood of impact to the protein; however, this information is not predictive enough to rule out pathogenicity. In summary, based on the above information the clinical significance of this variant cannot be determined with certainty at this time. This variant is classified as a variant of uncertain significance.

Genome Diagnostics Laboratory, University Medical Center Utrecht
Classification: Likely benign. Review status: no assertion criteria provided. Collection method: clinical testing. Allele origin: germline. Affected: yes. Study: VKGL Data-share Consensus. Not counted in ClinVar's aggregate classification.

NM_001009944.3(PKD1):c.10654G>T (p.Ala3552Ser)

Genes: PKD1 (polycystin 1, transient receptor potential channel interacting; minus strand), PKD1-AS1 (PKD1 antisense RNA 1; plus strand). Cytogenetic location: 16p13.3.
Variant type: single nucleotide variant.
Coding change: c.10654G>T on transcript NM_001009944.3 (MANE Select); coding-DNA position 10654, G replaced by T.
Protein change: p.Ala3552Ser; replaces alanine 3552 with serine.
Molecular consequence: missense variant.
Genome position (GRCh38, 1-based): chr16:2,093,978, C>A on the plus strand (G>T on the coding strand, the complement: PKD1 is on the minus strand). VCF-style: chr16-2093978-C-A. GRCh37 (hg19) VCF-style: chr16-2143979-C-A.
Other names: c.10651G>T, p.Ala3551Ser (NM_000296.4); short protein forms A3551S, A3552S.
Identifiers: ClinVar variation 1049593 (VCV001049593.17), dbSNP rs141670808, ClinGen allele CA7829470.